The following is an entry in ClinVar:

ClinVar aggregate classification (germline): Uncertain significance (1 of 4 stars; one submission).

Conditions:
Long QT syndrome (LQTS). Identifiers: MedGen C0023976, MeSH D008133, MONDO:0002442. Disease mechanism: loss of function. Inheritance: Various modes of inheritance.

Submission:

Labcorp Genetics (formerly Invitae), Labcorp
Classification: Uncertain significance for Long QT syndrome. Last evaluated: 2023-03-19. Review status: criteria provided, single submitter. Criteria: Invitae Variant Classification Sherloc (09022015). Collection method: clinical testing. Allele origin: germline.
Comment: This variant has not been reported in the literature in individuals affected with AKAP9-related conditions. This variant, c.5856_5858del, results in the deletion of 1 amino acid(s) of the AKAP9 protein (p.Leu1953del), but otherwise preserves the integrity of the reading frame. This variant is not present in population databases (gnomAD no frequency). Experimental studies and prediction algorithms are not available or were not evaluated, and the functional significance of this variant is currently unknown. In summary, the available evidence is currently insufficient to determine the role of this variant in disease. Therefore, it has been classified as a Variant of Uncertain Significance.

NM_005751.5(AKAP9):c.5853GTT[1] (p.Leu1953del)

Gene: AKAP9 (A-kinase anchoring protein 9; plus strand). Cytogenetic location: 7q21.2.
Variant type: Microsatellite.
Coding change: c.5853GTT[1] on transcript NM_005751.5 (MANE Select); one copy of the 3-base unit GTT starting at c.5853; the reference has two copies in a row; one copy, 3 bases deleted.
Protein change: p.Leu1953del; deletes leucine 1953.
Molecular consequence: inframe deletion.
Genome position (GRCh38, 1-based): chr7:92,062,365-92,062,367, GTT deleted; deleting any 3 consecutive bases within chr7:92,062,362-92,062,367 gives the same sequence; the position shown is the placement nearest the transcript's 3' end. VCF-style (leftmost placement, unchanged base first): chr7-92062361-AGTT-A. GRCh37 (hg19) VCF-style: chr7-91691675-AGTT-A.
Other names: c.498GTT[1], p.Leu168del (NM_001379277.1); c.5853GTT[1], p.Leu1953del (NM_147185.3); short protein forms L1953del, L168del.
Identifiers: ClinVar variation 2845335 (VCV002845335.3), dbSNP rs2535195012, ClinGen allele CA2739266568.